The following is an entry in ClinVar:

NM_006531.5(IFT88):c.1309A>C (p.Ile437Leu)

Gene: IFT88 (intraflagellar transport 88; plus strand). Cytogenetic location: 13q12.11.
Variant type: single nucleotide variant.
Coding change: c.1309A>C on transcript NM_006531.5 (MANE Select); coding-DNA position 1309, A replaced by C.
Protein change: p.Ile437Leu; replaces isoleucine 437 with leucine.
Molecular consequence: missense variant. On other transcripts: non-coding transcript variant (5).
Genome position (GRCh38, 1-based): chr13:20,631,025, A>C. VCF-style: chr13-20631025-A-C. GRCh37 (hg19) VCF-style: chr13-21205164-A-C.
Other names: c.1336A>C (NM_175605.3, NM_175605.4); c.1252A>C, p.Ile418Leu (NM_001318491.2, NM_001353575.2); c.1336A>C, p.Ile446Leu (NM_001318493.2, NM_001353565.2, NM_001353566.2 and 2 more transcripts); c.1309A>C, p.Ile437Leu (NM_001353568.2, NM_001353572.2); c.1234A>C, p.Ile412Leu (NM_001353569.2, NM_001353570.2, NM_001353576.2 and 1 more transcripts); c.1207A>C, p.Ile403Leu (NM_001353571.2, NM_001353578.2); c.1165A>C, p.Ile389Leu (NM_001353573.2); c.1150A>C, p.Ile384Leu (NM_001353574.2); and 1 more; short protein forms I384L, I389L, I403L, I412L, I226L, I418L, I437L, I446L.
Identifiers: ClinVar variation 2083260 (VCV002083260.6), dbSNP rs747827799, ClinGen allele CA6905375.

ClinVar aggregate classification (germline): Uncertain significance. Review status: criteria provided, multiple submitters, no conflicts (2 of 4 stars). 3 submissions from 3 submitters: Uncertain significance (3). Last evaluated 2026-08-01.

Conditions:
IFT88-related disorder. Also called: IFT88-related condition.

Allele frequency attached by ClinVar (database versions not stated): ExAC 0.00001; TOPMed 0.00003.
gnomAD v4.1: 5 of 1,579,946 alleles (0.00032%); highest among the groups gnomAD compares: Admixed American, 0.0083%; no homozygotes.

Submissions (3):

PreventionGenetics, part of Exact Sciences
Classification: Uncertain significance for IFT88-related condition. Last evaluated: 2026-08-01. Review status: criteria provided, single submitter. Criteria: ACMG Guidelines, 2015. Collection method: clinical testing. Allele origin: germline.
Comment: The IFT88 c.1336A>C variant is predicted to result in the amino acid substitution p.Ile446Leu. To our knowledge, this variant has not been reported in the literature. This variant is reported in 0.014% of alleles in individuals of Latino descent in gnomAD. At this time, the clinical significance of this variant is uncertain due to the absence of conclusive functional and genetic evidence.

Labcorp Genetics (formerly Invitae), Labcorp
Classification: Uncertain significance. Last evaluated: 2025-11-12. Review status: criteria provided, single submitter. Criteria: Invitae Variant Classification Sherloc (09022015). Collection method: clinical testing. Allele origin: germline.
Comment: This sequence change replaces isoleucine, which is neutral and non-polar, with leucine, which is neutral and non-polar, at codon 446 of the IFT88 protein (p.Ile446Leu). This variant is present in population databases (rs747827799, gnomAD 0.01%). This variant has not been reported in the literature in individuals affected with IFT88-related conditions. ClinVar contains an entry for this variant (Variation ID: 2083260). Experimental studies and prediction algorithms are not available or were not evaluated, and the functional significance of this variant is currently unknown. In summary, the available evidence is currently insufficient to determine the role of this variant in disease. Therefore, it has been classified as a Variant of Uncertain Significance.

Ambry Genetics
Classification: Uncertain significance. Last evaluated: 2024-01-03. Review status: criteria provided, single submitter. Criteria: Ambry Variant Classification Scheme 2023. Collection method: clinical testing. Allele origin: germline.